The following is an entry in ClinVar:

NM_001114753.3(ENG):c.1350C>G (p.Phe450Leu)

Genes: ENG (endoglin; minus strand), LOC102723566 (uncharacterized LOC102723566; plus strand). Cytogenetic location: 9q34.11.
Variant type: single nucleotide variant.
Coding change: c.1350C>G on transcript NM_001114753.3 (MANE Select); coding-DNA position 1350, C replaced by G.
Protein change: p.Phe450Leu; replaces phenylalanine 450 with leucine.
Molecular consequence: missense variant.
Genome position (GRCh38, 1-based): chr9:127,818,794, G>C on the plus strand (C>G on the coding strand, the complement: ENG is on the minus strand). VCF-style: chr9-127818794-G-C. GRCh37 (hg19) VCF-style: chr9-130581073-G-C.
Other names: c.1350C>G, p.Phe450Leu (NM_000118.4); c.804C>G, p.Phe268Leu (NM_001278138.2); short protein forms F268L, F450L.
Identifiers: ClinVar variation 5035944 (VCV005035944.1).

ClinVar aggregate classification (germline): Uncertain significance (1 of 4 stars; one submission).

Conditions:
Cardiovascular phenotype. Identifiers: MedGen CN230736.

gnomAD v4.1: 11 of 1,614,166 alleles (0.00068%); highest among the groups gnomAD compares: Non-Finnish European, 0.00093%; no homozygotes.

Submission:

Ambry Genetics
Classification: Uncertain significance for Cardiovascular phenotype. Last evaluated: 2026-09-04. Review status: criteria provided, single submitter. Criteria: Ambry Variant Classification Scheme 2023. Collection method: clinical testing. Allele origin: germline.
Comment: The p.F450L variant (also known as c.1350C>G), located in coding exon 11 of the ENG gene, results from a C to G substitution at nucleotide position 1350. The phenylalanine at codon 450 is replaced by leucine, an amino acid with highly similar properties. This amino acid position is conserved. In addition, this alteration is predicted to be tolerated by in silico analysis. Based on the available evidence, the clinical significance of this variant remains unclear.